The following is an entry in ClinVar:

ClinVar aggregate classification (germline): Uncertain significance (1 of 4 stars; one submission).

Conditions:
Hereditary cancer-predisposing syndrome. Also called: Neoplastic Syndromes, Hereditary; Tumor predisposition; Hereditary Cancer Syndrome; Hereditary neoplastic syndrome. Identifiers: Orphanet 140162, MedGen C0027672, MeSH D009386, MONDO:0015356.

Submission:

Ambry Genetics
Classification: Uncertain significance for Hereditary cancer-predisposing syndrome. Last evaluated: 2022-06-04. Review status: criteria provided, single submitter. Criteria: Ambry Variant Classification Scheme 2023. Collection method: clinical testing. Allele origin: germline.
Comment: The p.Q233P variant (also known as c.698A>C), located in coding exon 5 of the RAD50 gene, results from an A to C substitution at nucleotide position 698. The glutamine at codon 233 is replaced by proline, an amino acid with similar properties. This amino acid position is conserved. In addition, the in silico prediction for this alteration is inconclusive. Since supporting evidence is limited at this time, the clinical significance of this alteration remains unclear.

NM_005732.4(RAD50):c.698A>C (p.Gln233Pro)

Gene: RAD50 (RAD50 double strand break repair protein; plus strand). Cytogenetic location: 5q31.1.
Variant type: single nucleotide variant.
Coding change: c.698A>C on transcript NM_005732.4 (MANE Select); coding-DNA position 698, A replaced by C.
Protein change: p.Gln233Pro; replaces glutamine 233 with proline.
Molecular consequence: missense variant.
Genome position (GRCh38, 1-based): chr5:132,580,008, A>C. VCF-style: chr5-132580008-A-C. GRCh37 (hg19) VCF-style: chr5-131915700-A-C.
Other names: short protein forms Q233P.
Identifiers: ClinVar variation 1756450 (VCV001756450.2), dbSNP rs1060501945, ClinGen allele CA360936680.